The following is an entry in ClinVar:

ClinVar aggregate classification (germline): Likely benign. Review status: criteria provided, multiple submitters, no conflicts (2 of 4 stars). 4 submissions from 4 submitters: Likely benign (3). 1 of the submissions does not count toward it. Last evaluated 2025-07-28.

Conditions:
CA2-related disorder. Also called: CA2-related condition.
Osteopetrosis with renal tubular acidosis (OPTB3). Also called: Autosomal recessive osteopetrosis 3. Identifiers: Orphanet 2785, MedGen C0345407, MONDO:0009818, OMIM 259730.

Allele frequency attached by ClinVar (database versions not stated): gnomAD exomes 0.00002 and 0.00006; gnomAD 0.00030 and 0.00034; ESP Exome Variant Server 0.00038; TOPMed 0.00061; ExAC 0.00011; 1000 Genomes Project 30x 0.00016; 1000 Genomes Project 0.00020.

Submissions (4):

Labcorp Genetics (formerly Invitae), Labcorp
Classification: Likely benign. Last evaluated: 2025-07-28. Review status: criteria provided, single submitter. Criteria: Invitae Variant Classification Sherloc (09022015). Collection method: clinical testing. Allele origin: germline.

Blueprint Genetics
Classification: Likely benign. Last evaluated: 2022-07-26. Review status: criteria provided, single submitter. Criteria: ACMG Guidelines, 2015. Collection method: clinical testing. Allele origin: germline.

Fulgent Genetics
Classification: Likely benign for Osteopetrosis with renal tubular acidosis. Last evaluated: 2021-10-01. Review status: criteria provided, single submitter. Criteria: ACMG Guidelines, 2015. Collection method: clinical testing. Allele origin: unknown.

PreventionGenetics, part of Exact Sciences
Classification: Likely benign for CA2-related condition. Last evaluated: 2019-06-19. Review status: no assertion criteria provided. Collection method: clinical testing. Allele origin: germline. Not counted in ClinVar's aggregate classification.
Comment: This variant is classified as likely benign based on ACMG/AMP sequence variant interpretation guidelines (Richards et al. 2015 PMID: 25741868, with internal and published modifications).

NM_000067.3(CA2):c.139C>T (p.Leu47=)

Gene: CA2 (carbonic anhydrase 2; plus strand). Cytogenetic location: 8q21.2.
Variant type: single nucleotide variant.
Coding change: c.139C>T on transcript NM_000067.3 (MANE Select); coding-DNA position 139, C replaced by T.
Protein change: p.Leu47=; no amino-acid change (leucine 47 retained).
Molecular consequence: synonymous variant. On other transcripts: 5 prime UTR variant (1).
Genome position (GRCh38, 1-based): chr8:85,465,376, C>T. VCF-style: chr8-85465376-C-T. GRCh37 (hg19) VCF-style: chr8-86377605-C-T.
Other names: c.-46C>T (NM_001293675.2).
Identifiers: ClinVar variation 798273 (VCV000798273.12), dbSNP rs145096347, ClinGen allele CA4796414.